The following is an entry in ClinVar:

ClinVar aggregate classification (germline): Uncertain significance (1 of 4 stars; one submission).

gnomAD v4.1: 5 of 1,608,084 alleles (0.00031%); highest among the groups gnomAD compares: Non-Finnish European, 0.00043%; no homozygotes.

Submission:

Labcorp Genetics (formerly Invitae), Labcorp
Classification: Uncertain significance. Last evaluated: 2022-11-01. Review status: criteria provided, single submitter. Criteria: Invitae Variant Classification Sherloc (09022015). Collection method: clinical testing. Allele origin: germline.
Comment: This sequence change replaces arginine, which is basic and polar, with serine, which is neutral and polar, at codon 458 of the SCLT1 protein (p.Arg458Ser). This variant is present in population databases (rs767602025, gnomAD 0.002%). This variant has not been reported in the literature in individuals affected with SCLT1-related conditions. ClinVar contains an entry for this variant (Variation ID: 1382566). Algorithms developed to predict the effect of missense changes on protein structure and function are either unavailable or do not agree on the potential impact of this missense change (SIFT: "Deleterious"; PolyPhen-2: "Benign"; Align-GVGD: "Class C0"). In summary, the available evidence is currently insufficient to determine the role of this variant in disease. Therefore, it has been classified as a Variant of Uncertain Significance.

NM_144643.4(SCLT1):c.1372C>A (p.Arg458Ser)

Gene: SCLT1 (sodium channel and clathrin linker 1; minus strand). Cytogenetic location: 4q28.2.
Variant type: single nucleotide variant.
Coding change: c.1372C>A on transcript NM_144643.4 (MANE Select); coding-DNA position 1372, C replaced by A.
Protein change: p.Arg458Ser; replaces arginine 458 with serine.
Molecular consequence: missense variant.
Genome position (GRCh38, 1-based): chr4:128,946,074, G>T on the plus strand (C>A on the coding strand, the complement: SCLT1 is on the minus strand). VCF-style: chr4-128946074-G-T. GRCh37 (hg19) VCF-style: chr4-129867229-G-T.
Other names: short protein forms R458S.
Identifiers: ClinVar variation 1382566 (VCV001382566.6), dbSNP rs767602025, ClinGen allele CA3079641.